The following is an entry in ClinVar:

NM_000135.4(FANCA):c.961A>G (p.Ser321Gly)

Gene: FANCA (FA complementation group A; minus strand). Cytogenetic location: 16q24.3.
Variant type: single nucleotide variant.
Coding change: c.961A>G on transcript NM_000135.4 (MANE Select); coding-DNA position 961, A replaced by G.
Protein change: p.Ser321Gly; replaces serine 321 with glycine.
Molecular consequence: missense variant.
Genome position (GRCh38, 1-based): chr16:89,795,951, T>C on the plus strand (A>G on the coding strand, the complement: FANCA is on the minus strand). VCF-style: chr16-89795951-T-C. GRCh37 (hg19) VCF-style: chr16-89862359-T-C.
Other names: c.961A>G, p.Ser321Gly (NM_001286167.3); short protein forms S321G.
Identifiers: ClinVar variation 3009536 (VCV003009536.4), dbSNP rs770613111, ClinGen allele CA8252612.

ClinVar aggregate classification (germline): Uncertain significance. Review status: criteria provided, multiple submitters, no conflicts (2 of 4 stars). 2 submissions from 2 submitters: Uncertain significance (2). Last evaluated 2025-03-24.

Conditions:
Fanconi anemia (FA). Also called: Fanconi's anemia. Identifiers: Orphanet 84, MedGen C0015625, MeSH D005199, MONDO:0019391.
Inborn genetic diseases. Identifiers: MedGen C0950123, MeSH D030342.

Allele frequency attached by ClinVar (database versions not stated): gnomAD exomes below 0.00001; ExAC 0.00001.
gnomAD v4.1: 2 of 1,614,080 alleles (0.00012%); highest among the groups gnomAD compares: Non-Finnish European, 0.00017%; no homozygotes.

Submissions (2):

Ambry Genetics
Classification: Uncertain significance for Inborn genetic diseases. Last evaluated: 2025-03-24. Review status: criteria provided, single submitter. Criteria: Ambry Variant Classification Scheme 2023. Collection method: clinical testing. Allele origin: germline.
Comment: The p.S321G variant (also known as c.961A>G), located in coding exon 11 of the FANCA gene, results from an A to G substitution at nucleotide position 961. The serine at codon 321 is replaced by glycine, an amino acid with similar properties. This amino acid position is conserved. In addition, this alteration is predicted to be tolerated by in silico analysis. Based on the available evidence, the clinical significance of this variant remains unclear.

Labcorp Genetics (formerly Invitae), Labcorp
Classification: Uncertain significance for Fanconi anemia. Last evaluated: 2023-01-19. Review status: criteria provided, single submitter. Criteria: Invitae Variant Classification Sherloc (09022015). Collection method: clinical testing. Allele origin: germline.
Comment: This variant has not been reported in the literature in individuals affected with FANCA-related conditions. This variant is present in population databases (rs770613111, gnomAD 0.0009%). This sequence change replaces serine, which is neutral and polar, with glycine, which is neutral and non-polar, at codon 321 of the FANCA protein (p.Ser321Gly). In summary, the available evidence is currently insufficient to determine the role of this variant in disease. Therefore, it has been classified as a Variant of Uncertain Significance. Advanced modeling of protein sequence and biophysical properties (such as structural, functional, and spatial information, amino acid conservation, physicochemical variation, residue mobility, and thermodynamic stability) performed at Invitae indicates that this missense variant is not expected to disrupt FANCA protein function.